The following is an entry in ClinVar:

ClinVar aggregate classification (germline): Uncertain significance (1 of 4 stars; one submission).

Allele frequency attached by ClinVar (database versions not stated): ExAC 0.00001; gnomAD 0.00001; gnomAD exomes 0.00001; TOPMed 0.00002.
gnomAD v4.1: 6 of 1,611,736 alleles (0.00037%); highest among the groups gnomAD compares: Admixed American, 0.0017%; no homozygotes.

Submission:

GeneDx
Classification: Uncertain significance. Last evaluated: 2019-07-10. Review status: criteria provided, single submitter. Criteria: GeneDx Variant Classification Process June 2021. Collection method: clinical testing. Allele origin: germline. Affected: yes.
Comment: Not observed at a significant frequency in large population cohorts (Lek et al., 2016); In silico analysis, which includes protein predictors and evolutionary conservation, supports a deleterious effect; Has not been previously published as pathogenic or benign to our knowledge

NM_000092.5(COL4A4):c.3805G>C (p.Asp1269His)

Gene: COL4A4 (collagen type IV alpha 4 chain; minus strand). Cytogenetic location: 2q36.3.
Variant type: single nucleotide variant.
Coding change: c.3805G>C on transcript NM_000092.5 (MANE Select); coding-DNA position 3805, G replaced by C.
Protein change: p.Asp1269His; replaces aspartic acid 1269 with histidine.
Molecular consequence: missense variant.
Genome position (GRCh38, 1-based): chr2:227,031,957, C>G on the plus strand (G>C on the coding strand, the complement: COL4A4 is on the minus strand). VCF-style: chr2-227031957-C-G. GRCh37 (hg19) VCF-style: chr2-227896673-C-G.
Other names: short protein forms D1269H.
Identifiers: ClinVar variation 1305207 (VCV001305207.2), dbSNP rs763515232, ClinGen allele CA2144419.